The following is an entry in ClinVar:

ClinVar aggregate classification (germline): Pathogenic (1 of 4 stars; one submission).

Submission:

Labcorp Genetics (formerly Invitae), Labcorp
Classification: Pathogenic. Last evaluated: 2022-06-24. Review status: criteria provided, single submitter. Criteria: Invitae Variant Classification Sherloc (09022015). Collection method: clinical testing. Allele origin: germline.
Comment: For these reasons, this variant has been classified as Pathogenic. This variant has not been reported in the literature in individuals affected with CARMIL2-related conditions. This variant is not present in population databases (gnomAD no frequency). This sequence change creates a premature translational stop signal (p.Gln1308*) in the CARMIL2 gene. It is expected to result in an absent or disrupted protein product. Loss-of-function variants in CARMIL2 are known to be pathogenic (PMID: 27647349, 28112205).

Literature cited by the submitters: PubMed 27647349; PubMed 28112205.

NM_001013838.3(CARMIL2):c.3922C>T (p.Gln1308Ter)

Gene: CARMIL2 (capping protein regulator and myosin 1 linker 2; plus strand). Cytogenetic location: 16q22.1.
Variant type: single nucleotide variant.
Coding change: c.3922C>T on transcript NM_001013838.3 (MANE Select); coding-DNA position 3922, C replaced by T.
Protein change: p.Gln1308Ter; replaces glutamine 1308 with a stop codon.
Molecular consequence: nonsense.
Genome position (GRCh38, 1-based): chr16:67,656,531, C>T. VCF-style: chr16-67656531-C-T. GRCh37 (hg19) VCF-style: chr16-67690434-C-T.
Other names: c.3814C>T, p.Gln1272Ter (NM_001317026.3); short protein forms Q1308*, Q1272*.
Identifiers: ClinVar variation 2010186 (VCV002010186.4), dbSNP rs779330130, ClinGen allele CA396348257.